The following is an entry in ClinVar:

NM_032382.5(COG8):c.133G>C (p.Asp45His)

Gene: COG8 (component of oligomeric golgi complex 8; minus strand). Cytogenetic location: 16q22.1.
Variant type: single nucleotide variant.
Coding change: c.133G>C on transcript NM_032382.5 (MANE Select); coding-DNA position 133, G replaced by C.
Protein change: p.Asp45His; replaces aspartic acid 45 with histidine.
Molecular consequence: missense variant.
Genome position (GRCh38, 1-based): chr16:69,339,420, C>G on the plus strand (G>C on the coding strand, the complement: COG8 is on the minus strand). VCF-style: chr16-69339420-C-G. GRCh37 (hg19) VCF-style: chr16-69373323-C-G.
Other names: c.133G>C, p.Asp45His (NM_001374871.1, NM_001379261.1, NM_001379262.1 and 4 more transcripts); short protein forms D45H.
Identifiers: ClinVar variation 2914898 (VCV002914898.3), dbSNP rs780800557, ClinGen allele CA8134050.

ClinVar aggregate classification (germline): Uncertain significance (1 of 4 stars; one submission).

Conditions:
COG8-congenital disorder of glycosylation. Also called: CDG IIh; COG8-CDG. Identifiers: Orphanet 95428, MedGen C1970021, MONDO:0012635, OMIM 611182.

Allele frequency attached by ClinVar (database versions not stated): gnomAD 0.00001; ExAC 0.00004.
gnomAD v4.1: 13 of 1,582,882 alleles (0.00082%); highest among the groups gnomAD compares: South Asian, 0.0067%; no homozygotes.

Submission:

Labcorp Genetics (formerly Invitae), Labcorp
Classification: Uncertain significance for COG8-congenital disorder of glycosylation. Last evaluated: 2023-09-20. Review status: criteria provided, single submitter. Criteria: Invitae Variant Classification Sherloc (09022015). Collection method: clinical testing. Allele origin: germline.
Comment: In summary, the available evidence is currently insufficient to determine the role of this variant in disease. Therefore, it has been classified as a Variant of Uncertain Significance. Advanced modeling of protein sequence and biophysical properties (such as structural, functional, and spatial information, amino acid conservation, physicochemical variation, residue mobility, and thermodynamic stability) performed at Invitae indicates that this missense variant is not expected to disrupt COG8 protein function. This variant has not been reported in the literature in individuals affected with COG8-related conditions. This variant is present in population databases (rs780800557, gnomAD 0.004%). This sequence change replaces aspartic acid, which is acidic and polar, with histidine, which is basic and polar, at codon 45 of the COG8 protein (p.Asp45His).